The following is an entry in ClinVar:

NM_001267550.2(TTN):c.105398del (p.Thr35133fs)

Genes: TTN (titin; minus strand), TTN-AS1 (TTN antisense RNA 1; plus strand). Cytogenetic location: 2q31.2.
Variant type: Deletion.
Coding change: c.105398del on transcript NM_001267550.2 (MANE Select); coding-DNA position 105398, one base deleted (C; older notation c.105398delC).
Protein change: p.Thr35133fs; shifts the reading frame from threonine 35133.
Molecular consequence: frameshift variant.
Genome position (GRCh38, 1-based): chr2:178,531,217, G deleted on the plus strand (C on the coding strand, the reverse complement: TTN is on the minus strand). VCF-style (leftmost placement, unchanged base first): chr2-178531216-TG-T. GRCh37 (hg19) VCF-style: chr2-179395943-TG-T.
Other names: c.100475del, p.Thr33492fs (NM_001256850.1); c.78203del, p.Thr26068fs (NM_003319.4); c.97694del, p.Thr32565fs (NM_133378.4); c.78578del, p.Thr26193fs (NM_133432.3); c.78779del, p.Thr26260fs (NM_133437.4); c.100475delC (NM_001256850.1); short protein forms T26068fs, T26193fs, T26260fs, T33492fs, T35133fs, T32565fs.
Identifiers: ClinVar variation 202500 (VCV000202500.1), dbSNP rs794729369, ClinGen allele CA309463.
Genomic context (GRCh38, chr2:178,531,216, plus strand): 5'-ATCGGTGTCACAAGAAAACCTTGCAGACTCGCCCTCGTAGACGGTCATGGACCGTGGCTT[TG>T]TTAGAATTCTTGCTGCCAAAGTCGTCTTGATCTTTCTGGTTGTGGATTTTTCTTCCAGTG-3'

ClinVar aggregate classification (germline): Uncertain significance (1 of 4 stars; one submission).

Submission:

GeneDx
Classification: Uncertain significance. Last evaluated: 2013-01-30. Review status: criteria provided, single submitter. Criteria: GeneDx Variant Classification (06012015). Collection method: clinical testing. Allele origin: germline. Affected: yes.
Comment: c.100475delC: p.Thr33492LysfsX6 (T33492KfsX6) in exon 308 of the TTN gene (NM_001256850.1). The normal sequence with the base that is deleted in braces is: CTAA{C}AAAG. The c.100475delC variant in the TTN gene has not been reported to our knowledge as a disease-causing mutation or as a benign polymorphism to our knowledge. c.100475delC causes a shift in reading frame starting at codon Threonine 33492, changing it to a Lysine, and creating a premature stop codon at position 6 of the new reading frame, denoted p.Thr33492LysfsX6. This variant is expected to result in either an abnormal, truncated protein product or loss of protein from this allele through nonsense-mediated mRNA decay. c.100475delC, located in the M band region of titin, is not located in the A-band where the majority of truncating mutations associated with DCM have been reported (Herman D et al., 2012). With the clinical and molecular information available at this time, we cannot definitively determine if c.100475delC is a disease-causing mutation or a rare benign variant. The variant is found in DCM panel(s).